The following is an entry in ClinVar:

ClinVar aggregate classification (germline): Likely benign. Review status: criteria provided, multiple submitters, no conflicts (2 of 4 stars). 3 submissions from 3 submitters: Likely benign (2). 1 of the submissions does not count toward it. Last evaluated 2025-11-24.

Conditions:
ACADS-related disorder. Also called: ACADS-related condition.
Deficiency of butyryl-CoA dehydrogenase (ACADSD). Also called: ACADS DEFICIENCY; Short-Chain Acyl-CoA Dehydrogenase Deficiency; SCAD DEFICIENCY, MILD; ACYL-CoA DEHYDROGENASE, SHORT-CHAIN, DEFICIENCY OF; SCAD Deficiency; SCADH DEFICIENCY. Identifiers: Orphanet 26792, MedGen C0342783, MONDO:0008722, OMIM 201470. Disease mechanism: May be benign.

Allele frequency attached by ClinVar (database versions not stated): gnomAD exomes 0.00003 and 0.00009; ExAC 0.00009; gnomAD 0.00031; TOPMed 0.00034; ESP Exome Variant Server 0.00038.
gnomAD v4.1: 89 of 1,607,964 alleles (0.0055%); highest among the groups gnomAD compares: African/African-American, 0.08%; no homozygotes.

Submissions (3):

Labcorp Genetics (formerly Invitae), Labcorp
Classification: Likely benign for Deficiency of butyryl-CoA dehydrogenase. Last evaluated: 2025-11-24. Review status: criteria provided, single submitter. Criteria: Invitae Variant Classification Sherloc (09022015). Collection method: clinical testing. Allele origin: germline.

Women's Health and Genetics/Laboratory Corporation of America, LabCorp
Classification: Likely benign. Last evaluated: 2025-09-24. Review status: criteria provided, single submitter. Criteria: LabCorp Variant Classification Summary - May 2015. Collection method: clinical testing. Allele origin: germline.
Comment: Variant summary: ACADS c.795+9G>A alters a nucleotide located at a position not widely known to affect splicing. Consensus agreement among computation tools predict no significant impact on normal splicing. However, these predictions have yet to be confirmed by functional studies. The variant allele was found at a frequency of 9.1e-05 in 242978 control chromosomes. This frequency is not significantly higher than estimated for disease-causing variants in ACADS, allowing no conclusion about variant significance. To our knowledge, no occurrence of c.795+9G>A in individuals affected with ACADS-related conditions and no experimental evidence demonstrating its impact on protein function have been reported. ClinVar contains an entry for this variant (Variation ID: 1115516). Based on the evidence outlined above, the variant was classified as likely benign.

PreventionGenetics, part of Exact Sciences
Classification: Likely benign for ACADS-related condition. Last evaluated: 2019-04-22. Review status: no assertion criteria provided. Collection method: clinical testing. Allele origin: germline. Not counted in ClinVar's aggregate classification.
Comment: This variant is classified as likely benign based on ACMG/AMP sequence variant interpretation guidelines (Richards et al. 2015 PMID: 25741868, with internal and published modifications).

NM_000017.4(ACADS):c.795+9G>A

Gene: ACADS (acyl-CoA dehydrogenase short chain; plus strand). Cytogenetic location: 12q24.31.
Variant type: single nucleotide variant.
Coding change: c.795+9G>A on transcript NM_000017.4 (MANE Select); 9 bases into the intron after coding-DNA position 795, G replaced by A.
Molecular consequence: intron variant.
Genome position (GRCh38, 1-based): chr12:120,738,459, G>A. VCF-style: chr12-120738459-G-A. GRCh37 (hg19) VCF-style: chr12-121176262-G-A.
Other names: c.783+9G>A (NM_001302554.2); c.795+9G>A (NM_000017.3).
Identifiers: ClinVar variation 1115516 (VCV001115516.12), dbSNP rs370703070, ClinGen allele CA6831056.
Genomic context (GRCh38, chr12:120,738,459, plus strand): 5'-CCCCAAGGACAGCATCCTGGGGGAGCCAGGGATGGGCTTCAAGATAGCCATGGTGAGCCC[G>A]GCAGTGGGGGTGGCACCTTGAGGCCAGGCCCGCGCCCCGGCTGGCGGGCCACTGACCAGG-3'